The following is an entry in ClinVar:

ClinVar aggregate classification (germline): Pathogenic (1 of 4 stars; one submission).

Conditions:
Abetalipoproteinaemia (ABL). Also called: MTP DEFICIENCY; Abetalipoproteinemia; Abetalipoproteinemia neuropathy; Apolipoprotein B deficiency; Congenital betalipoprotein deficiency syndrome. Identifiers: Orphanet 14, MedGen C0000744, MONDO:0008692, OMIM 200100, HP:0008181.

Submission:

Myriad Genetics, Inc.
Classification: Pathogenic for Abetalipoproteinaemia. Last evaluated: 2023-09-27. Review status: criteria provided, single submitter. Criteria: Myriad Autosomal Dominant, Autosomal Recessive and X-Linked Classification Criteria (2023). Collection method: clinical testing. Allele origin: unknown.
Comment: NM_000253.2(MTTP):c.1441dupC(L481Pfs*32) is expected to be pathogenic in the context of abetalipoproteinemia. This variant is predicted to lead to an abnormal or absent protein product due to the creation of a premature termination codon in MTTP, a gene where loss-of-function variants are known to be pathogenic. Please note: this variant was assessed in the context of healthy population screening.

NM_001386140.1(MTTP):c.1441dup (p.Leu481fs)

Gene: MTTP (microsomal triglyceride transfer protein; plus strand). Cytogenetic location: 4q23.
Variant type: Duplication.
Coding change: c.1441dup on transcript NM_001386140.1 (MANE Select); coding-DNA position 1441, one base duplicated (C; older notation c.1441dupC).
Protein change: p.Leu481fs; shifts the reading frame from leucine 481.
Molecular consequence: frameshift variant.
Genome position (GRCh38, 1-based): chr4:99,606,844, C duplicated; the last of 3 consecutive C bases (chr4:99,606,842-99,606,844); duplicating any one gives the same sequence. VCF-style (leftmost placement, unchanged base first): chr4-99606841-G-GC. GRCh37 (hg19) VCF-style: chr4-100527998-G-GC.
Other names: c.1441dup, p.Leu481fs (NM_000253.4); c.1192dup, p.Leu398fs (NM_001300785.2); short protein forms L398fs, L481fs.
Identifiers: ClinVar variation 5012115 (VCV005012115.1).
Genomic context (GRCh38, chr4:99,606,841, plus strand): 5'-GGACTTGAAAAAGCAGAGAAAAAAGAGGACACCAGGATGTATCTGCTGGCTTTGAAGAAT[G>GC]CCCTGCTTCCAGAAGGCATCCCAAGTCTTCTGAAGTATGCAGAAGCAGGAGAAGGGCCCA-3'